The following is an entry in ClinVar:

ClinVar aggregate classification (germline): Benign (1 of 4 stars; one submission).

Allele frequency attached by ClinVar (database versions not stated): gnomAD exomes 0.13111; 1000 Genomes Project 0.14357; 1000 Genomes Project 30x 0.14631; gnomAD 0.15249 and 0.15558; TOPMed 0.15919.

Submission:

GeneDx
Classification: Benign. Last evaluated: 2018-06-14. Review status: criteria provided, single submitter. Criteria: GeneDx Variant Classification (06012015). Collection method: clinical testing. Allele origin: germline. Affected: yes.
Comment: This variant is considered likely benign or benign based on one or more of the following criteria: it is a conservative change, it occurs at a poorly conserved position in the protein, it is predicted to be benign by multiple in silico algorithms, and/or has population frequency not consistent with disease.

NM_012062.5(DNM1L):c.2155-125_2155-124del

Gene: DNM1L (dynamin 1 like; plus strand). Cytogenetic location: 12p11.21.
Variant type: Deletion.
Coding change: c.2155-125_2155-124del on transcript NM_012062.5 (MANE Select); 125 bases into the intron before coding-DNA position 2155 through 124 bases into the intron before coding-DNA position 2155, 2 bases deleted (TT; older notation c.2155-125_2155-124delTT).
Molecular consequence: intron variant.
Genome position (GRCh38, 1-based): chr12:32,743,229-32,743,230, TT deleted. VCF-style (leftmost placement, unchanged base first): chr12-32743228-ATT-A. GRCh37 (hg19) VCF-style: chr12-32896162-ATT-A.
Other names: c.2194-125_2194-124del (NM_001278464.2); c.2161-125_2161-124del (NM_001278465.2); c.2083-125_2083-124del (NM_001330380.2); c.1546-125_1546-124del (NM_001278466.2); c.2122-125_2122-124del (NM_001278463.2); c.2077-125_2077-124del (NM_012063.4); c.2044-125_2044-124del (NM_005690.5).
Identifiers: ClinVar variation 673623 (VCV000673623.1), dbSNP rs3834753, ClinGen allele CA235208599.